The following is an entry in ClinVar:

NC_000007.14:g.(?_5991967)_(5997429_?)del

Gene: PMS2 (PMS1 homolog 2, mismatch repair system component; minus strand). Cytogenetic location: 7p22.1.
Variant type: Deletion.
Identifiers: ClinVar variation 455100 (VCV000455100.1).

ClinVar aggregate classification (germline): Pathogenic (1 of 4 stars; one submission).

Conditions:
Hereditary nonpolyposis colorectal neoplasms. Identifiers: MedGen C0009405, MeSH D003123.

Submission:

Labcorp Genetics (formerly Invitae), Labcorp
Classification: Pathogenic for Hereditary nonpolyposis colorectal neoplasms. Last evaluated: 2017-09-20. Review status: criteria provided, single submitter. Criteria: Invitae Variant Classification Sherloc (09022015). Collection method: clinical testing. Allele origin: germline.
Comment: This variant is a gross deletion of the genomic region encompassing exons 7-9 of the PMS2 gene. This creates a premature translational stop signal and is expected to result in an absent or disrupted protein product. While this particular variant has not been reported in the literature, loss-of-function variants in PMS2 are known to be pathogenic (PMID: 21376568, 24362816). For these reasons, this variant has been classified as Pathogenic.

Literature cited by the submitters: PubMed 21376568; PubMed 24362816.